The following is an entry in ClinVar:

NM_005219.5(DIAPH1):c.1269C>G (p.Asp423Glu)

Gene: DIAPH1 (diaphanous related formin 1; minus strand). Cytogenetic location: 5q31.3.
Variant type: single nucleotide variant.
Coding change: c.1269C>G on transcript NM_005219.5 (MANE Select); coding-DNA position 1269, C replaced by G.
Protein change: p.Asp423Glu; replaces aspartic acid 423 with glutamic acid.
Molecular consequence: missense variant.
Genome position (GRCh38, 1-based): chr5:141,577,486, G>C on the plus strand (C>G on the coding strand, the complement: DIAPH1 is on the minus strand). VCF-style: chr5-141577486-G-C. GRCh37 (hg19) VCF-style: chr5-140957053-G-C.
Other names: c.1242C>G, p.Asp414Glu (NM_001079812.3); c.1269C>G, p.Asp423Glu (NM_001314007.2); short protein forms D423E, D414E.
Identifiers: ClinVar variation 475696 (VCV000475696.13), dbSNP rs367981585, ClinGen allele CA3479344.

ClinVar aggregate classification (germline): Conflicting classifications of pathogenicity. Review status: criteria provided, conflicting classifications (1 of 4 stars). 4 submissions from 4 submitters: Uncertain significance (3); Likely benign (1). Last evaluated 2026-01-06.

Conditions:
Autosomal dominant nonsyndromic hearing loss 1. Also called: DEAFNESS, AUTOSOMAL DOMINANT 1, WITH OR WITHOUT THROMBOCYTOPENIA; KONIGSMARK SYNDROME. Identifiers: Orphanet 90635, MedGen C1852282, MONDO:0007424, OMIM 124900.
Progressive microcephaly-seizures-cortical blindness-developmental delay syndrome. Also called: Seizures, cortical blindness, and microcephaly syndrome. Identifiers: Orphanet 477814, MedGen C5567650, MONDO:0014714, OMIM 616632.

Allele frequency attached by ClinVar (database versions not stated): ESP Exome Variant Server 0.00008; gnomAD 0.00015 and 0.00016; TOPMed 0.00024.
gnomAD v4.1: 45 of 1,611,366 alleles (0.0028%); highest among the groups gnomAD compares: African/African-American, 0.053%; no homozygotes.

Submissions (4):

Labcorp Genetics (formerly Invitae), Labcorp
Classification: Uncertain significance for Progressive microcephaly-seizures-cortical blindness-developmental delay syndrome; Autosomal dominant nonsyndromic hearing loss 1. Last evaluated: 2026-01-06. Review status: criteria provided, single submitter. Criteria: Invitae Variant Classification Sherloc (09022015). Collection method: clinical testing. Allele origin: germline.
Comment: This sequence change replaces aspartic acid, which is acidic and polar, with glutamic acid, which is acidic and polar, at codon 423 of the DIAPH1 protein (p.Asp423Glu). This variant is present in population databases (rs367981585, gnomAD 0.05%). This variant has not been reported in the literature in individuals affected with DIAPH1-related conditions. ClinVar contains an entry for this variant (Variation ID: 475696). Experimental studies and prediction algorithms are not available or were not evaluated, and the functional significance of this variant is currently unknown. In summary, the available evidence is currently insufficient to determine the role of this variant in disease. Therefore, it has been classified as a Variant of Uncertain Significance.

Blueprint Genetics
Classification: Likely benign. Last evaluated: 2023-07-25. Review status: criteria provided, single submitter. Criteria: ACMG Guidelines, 2015. Collection method: clinical testing. Allele origin: germline.

New York Genome Center
Classification: Uncertain significance for Progressive microcephaly-seizures-cortical blindness-developmental delay syndrome. Last evaluated: 2020-07-03. Review status: criteria provided, single submitter. Criteria: NYGC Assertion Criteria 2020. Collection method: clinical testing. Allele origin: germline. Observed: 1 heterozygote. Study: CSER-NYCKidSeq.

Fulgent Genetics
Classification: Uncertain significance for Autosomal dominant nonsyndromic hearing loss 1; Progressive microcephaly-seizures-cortical blindness-developmental delay syndrome. Last evaluated: 2018-10-31. Review status: criteria provided, single submitter. Criteria: ACMG Guidelines, 2015. Collection method: clinical testing. Allele origin: unknown.